The following is an entry in ClinVar:

ClinVar aggregate classification (germline): Uncertain significance (1 of 4 stars; one submission).

Conditions:
Senior-Loken syndrome 8 (SLSN8). Identifiers: Orphanet 3156, MedGen C4225376, MONDO:0014579, OMIM 616307.
Asphyxiating thoracic dystrophy 5 (SRTD5). Also called: SHORT-RIB THORACIC DYSPLASIA 5 WITH OR WITHOUT POLYDACTYLY; SHORT-RIB THORACIC DYSPLASIA 5 WITHOUT POLYDACTYLY. Identifiers: Orphanet 474, MedGen C3280598, MONDO:0013717, OMIM 614376.

Allele frequency attached by ClinVar (database versions not stated): gnomAD exomes below 0.00001.
gnomAD v4.1: 3 of 1,587,134 alleles (0.00019%); highest among the groups gnomAD compares: South Asian, 0.0012%; no homozygotes.

Submission:

Labcorp Genetics (formerly Invitae), Labcorp
Classification: Uncertain significance for Senior-Loken syndrome 8; Asphyxiating thoracic dystrophy 5. Last evaluated: 2022-03-27. Review status: criteria provided, single submitter. Criteria: Invitae Variant Classification Sherloc (09022015). Collection method: clinical testing. Allele origin: germline.
Comment: In summary, the available evidence is currently insufficient to determine the role of this variant in disease. Therefore, it has been classified as a Variant of Uncertain Significance. This sequence change replaces asparagine, which is neutral and polar, with serine, which is neutral and polar, at codon 314 of the WDR19 protein (p.Asn314Ser). This variant is not present in population databases (gnomAD no frequency). Algorithms developed to predict the effect of missense changes on protein structure and function output the following: SIFT: "Tolerated"; PolyPhen-2: "Benign"; Align-GVGD: "Class C0". The serine amino acid residue is found in multiple mammalian species, which suggests that this missense change does not adversely affect protein function. This variant has not been reported in the literature in individuals affected with WDR19-related conditions.

NM_025132.4(WDR19):c.941A>G (p.Asn314Ser)

Gene: WDR19 (WD repeat domain 19; plus strand). Cytogenetic location: 4p14.
Variant type: single nucleotide variant.
Coding change: c.941A>G on transcript NM_025132.4 (MANE Select); coding-DNA position 941, A replaced by G.
Protein change: p.Asn314Ser; replaces asparagine 314 with serine.
Molecular consequence: missense variant.
Genome position (GRCh38, 1-based): chr4:39,214,651, A>G. VCF-style: chr4-39214651-A-G. GRCh37 (hg19) VCF-style: chr4-39216271-A-G.
Other names: c.461A>G, p.Asn154Ser (NM_001317924.2); short protein forms N314S, N154S.
Identifiers: ClinVar variation 1935892 (VCV001935892.5), dbSNP rs2475121737, ClinGen allele CA356636202.